The following is an entry in ClinVar:

ClinVar aggregate classification (germline): Likely benign (1 of 4 stars; one submission).

Submission:

CeGaT Center for Human Genetics Tuebingen
Classification: Likely benign. Last evaluated: 2026-03-01. Review status: criteria provided, single submitter. Criteria: CeGaT Center For Human Genetics Tuebingen Variant Classification Criteria Version 2. Collection method: clinical testing. Allele origin: germline. Affected: yes. Observed: 1 variant allele.
Comment: KCNC3: PM2:Supporting, BP4, BP7

NM_004977.3(KCNC3):c.183C>G (p.Pro61=)

Gene: KCNC3 (potassium voltage-gated channel subfamily C member 3; minus strand). Cytogenetic location: 19q13.33.
Variant type: single nucleotide variant.
Coding change: c.183C>G on transcript NM_004977.3 (MANE Select); coding-DNA position 183, C replaced by G.
Protein change: p.Pro61=; no amino-acid change (proline 61 retained).
Molecular consequence: synonymous variant. On other transcripts: 5 prime UTR variant (1).
Genome position (GRCh38, 1-based): chr19:50,328,900, G>C on the plus strand (C>G on the coding strand, the complement: KCNC3 is on the minus strand). VCF-style: chr19-50328900-G-C. GRCh37 (hg19) VCF-style: chr19-50832157-G-C.
Other names: c.-46C>G (NM_001372305.1).
Identifiers: ClinVar variation 4821606 (VCV004821606.4).